The following is an entry in ClinVar:

NM_000051.4(ATM):c.6211T>C (p.Leu2071=)

Genes: ATM (ATM serine/threonine kinase; plus strand), C11orf65 (chromosome 11 open reading frame 65; minus strand). Cytogenetic location: 11q22.3.
Variant type: single nucleotide variant.
Coding change: c.6211T>C on transcript NM_000051.4 (MANE Select); coding-DNA position 6211, T replaced by C.
Protein change: p.Leu2071=; no amino-acid change (leucine 2071 retained).
Molecular consequence: synonymous variant. On other transcripts: intron variant (2).
Genome position (GRCh38, 1-based): chr11:108,317,385, T>C. VCF-style: chr11-108317385-T-C. GRCh37 (hg19) VCF-style: chr11-108188112-T-C.
Other names: c.6211T>C, p.Leu2071= (NM_001351834.2); c.641-8314A>G (NM_001330368.2); c.*39-8314A>G (NM_001351110.2).
Identifiers: ClinVar variation 485169 (VCV000485169.19), dbSNP rs928129862, ClinGen allele CA228403109.
Genomic context (GRCh38, chr11:108,317,385, plus strand): 5'-TTGATATCTTTGATTACTTAACTTAAAAACAAAATAACTCCTGTTTAGGCCTTGCAGAAT[T>C]TGGGACTCTGCCATATTCTTTCCGTCTATTTAAAAGGATTGGATTATGAAAATAAAGACT-3'
Protein context (NP_000042.3, residues 2061-2081): QAGIIQALQN[Leu2071=]GLCHILSVYL

ClinVar aggregate classification (germline): Benign/Likely benign. Review status: criteria provided, multiple submitters, no conflicts (2 of 4 stars). 4 submissions from 4 submitters: Benign (1); Likely benign (3). Last evaluated 2025-09-03.

Conditions:
Hereditary cancer-predisposing syndrome. Also called: Neoplastic Syndromes, Hereditary; Hereditary Cancer Syndrome; Tumor predisposition; Hereditary neoplastic syndrome. Identifiers: Orphanet 140162, MedGen C0027672, MeSH D009386, MONDO:0015356.
Familial cancer of breast. Also called: Hereditary breast cancer; BREAST CANCER, FAMILIAL; hereditary breast carcinoma. Identifiers: Orphanet 227535, MedGen C0346153, MONDO:0016419, OMIM 114480. Disease mechanism: loss of function.
Ataxia-telangiectasia syndrome (AT). Also called: LOUIS-BAR SYNDROME; Cerebello-oculocutaneous telangiectasia; Immunodeficiency with ataxia telangiectasia; Ataxia-telangiectasia, complementation group D; AT, COMPLEMENTATION GROUP C; Ataxia-telangiectasia, complementation group E. Identifiers: Orphanet 100, MedGen C0004135, MONDO:0008840, OMIM 208900.

Allele frequency attached by ClinVar (database versions not stated): TOPMed 0.00001; gnomAD exomes below 0.00001.
gnomAD v4.1: 3 of 1,611,834 alleles (0.00019%); highest among the groups gnomAD compares: Admixed American, 0.0017%; no homozygotes.

Submissions (4):

Labcorp Genetics (formerly Invitae), Labcorp
Classification: Likely benign for Ataxia-telangiectasia syndrome. Last evaluated: 2025-09-03. Review status: criteria provided, single submitter. Criteria: Invitae Variant Classification Sherloc (09022015). Collection method: clinical testing. Allele origin: germline.

Myriad Genetics, Inc.
Classification: Benign for Familial cancer of breast. Last evaluated: 2024-06-05. Review status: criteria provided, single submitter. Criteria: Myriad Autosomal Dominant, Autosomal Recessive and X-Linked Classification Criteria (2023). Collection method: clinical testing. Allele origin: unknown.
Comment: This variant is considered benign. This variant is a silent/synonymous amino acid change and it is not expected to impact splicing.

Color Diagnostics, LLC DBA Color Health
Classification: Likely benign for Hereditary cancer-predisposing syndrome. Last evaluated: 2019-02-04. Review status: criteria provided, single submitter. Criteria: ACMG Guidelines, 2015. Collection method: clinical testing. Allele origin: germline.

Ambry Genetics
Classification: Likely benign for Hereditary cancer-predisposing syndrome. Last evaluated: 2015-10-23. Review status: criteria provided, single submitter. Criteria: Ambry Variant Classification Scheme 2023. Collection method: clinical testing. Allele origin: germline.